The following is an entry in ClinVar:

NM_001173990.3(TMEM216):c.326dup (p.Gln110fs)

Gene: TMEM216 (transmembrane protein 216; plus strand). Cytogenetic location: 11q12.2.
Variant type: Duplication.
Coding change: c.326dup on transcript NM_001173990.3 (MANE Select); coding-DNA position 326, one base duplicated (T; older notation c.326dupT).
Protein change: p.Gln110fs; shifts the reading frame from glutamine 110.
Molecular consequence: frameshift variant.
Genome position (GRCh38, 1-based): chr11:61,397,870, T duplicated. VCF-style (leftmost placement, unchanged base first): chr11-61397869-C-CT. GRCh37 (hg19) VCF-style: chr11-61165341-C-CT.
Other names: c.326dup, p.Gln110fs (NM_001173991.3); c.143dup, p.Gln49fs (NM_001330285.2, NM_016499.6); short protein forms Q110fs, Q49fs.
Identifiers: ClinVar variation 2281809 (VCV002281809.2), dbSNP rs2539896601, ClinGen allele CA2580084802.
Genomic context (GRCh38, chr11:61,397,869, plus strand): 5'-CTCAGTATTAGCGTGGCCTTGACCTTCCCATCTGCCATGATGGCCTCCTATTACCTGCTG[C>CT]TGCAGACCTACGTACTCCGCCTGGAAGCCATCATGAATGGCATCTTGCTCTTCTTCTGTG-3'

ClinVar aggregate classification (germline): Likely pathogenic (1 of 4 stars; one submission).

Conditions:
Inborn genetic diseases. Identifiers: MedGen C0950123, MeSH D030342.

Submission:

Ambry Genetics
Classification: Likely pathogenic for Inborn genetic diseases. Last evaluated: 2022-04-11. Review status: criteria provided, single submitter. Criteria: Ambry Variant Classification Scheme 2023. Collection method: clinical testing. Allele origin: germline.
Comment: The c.326dupT (p.Q110Afs*26) alteration, located in exon 4 (coding exon 4) of the TMEM216 gene, consists of a duplication of T at position 326, causing a translational frameshift with a predicted alternate stop codon after 26 amino acids. This alteration occurs at the 3' terminus of the TMEM216 gene, is not expected to trigger nonsense-mediated mRNA decay, and only impacts the last 36 amino acids of the protein. However, premature stop codons are typically deleterious in nature and the impacted region is critical for protein function (Ambry internal data). This variant was not reported in population-based cohorts in the Genome Aggregation Database (gnomAD). Based on the available evidence, this alteration is classified as likely pathogenic.